The following is an entry in ClinVar:

NM_000214.3(JAG1):c.1942del (p.Val648fs)

Gene: JAG1 (jagged canonical Notch ligand 1; minus strand). Cytogenetic location: 20p12.2.
Variant type: Deletion.
Coding change: c.1942del on transcript NM_000214.3 (MANE Select); coding-DNA position 1942, one base deleted (G; older notation c.1942delG).
Protein change: p.Val648fs; shifts the reading frame from valine 648.
Molecular consequence: frameshift variant.
Genome position (GRCh38, 1-based): chr20:10,646,028, C deleted on the plus strand (G on the coding strand, the reverse complement: JAG1 is on the minus strand). VCF-style (leftmost placement, unchanged base first): chr20-10646027-AC-A. GRCh37 (hg19) VCF-style: chr20-10626675-AC-A.
Other names: short protein forms V648fs.
Identifiers: ClinVar variation 3345248 (VCV003345248.1).

ClinVar aggregate classification (germline): Likely pathogenic (0 of 4 stars; one submission).

Conditions:
JAG1-related disorder. Also called: JAG1-related disorders; JAG1-related condition.

Submission:

PreventionGenetics, part of Exact Sciences
Classification: Likely pathogenic for JAG1-related condition. Last evaluated: 2024-07-16. Review status: no assertion criteria provided. Collection method: clinical testing. Allele origin: germline.
Comment: The JAG1 c.1942delG variant is predicted to result in a frameshift and premature protein termination (p.Val648Serfs*95). To our knowledge, this variant has not been reported in the literature or in a large population database, indicating this variant is rare. Frameshift variants in JAG1 are expected to be pathogenic. This variant is interpreted as likely pathogenic.